The following is an entry in ClinVar:

ClinVar aggregate classification (germline): Benign. Review status: criteria provided, multiple submitters, no conflicts (2 of 4 stars). 6 submissions from 6 submitters: Benign (6). Last evaluated 2021-09-10.

Conditions:
Muscular dystrophy-dystroglycanopathy (congenital with brain and eye anomalies), type a, 10 (MDDGA10). Also called: WALKER-WARBURG SYNDROME OR MUSCLE-EYE-BRAIN DISEASE, TMEM5-RELATED. Identifiers: Orphanet 899, MedGen C3554381, MONDO:0014022, OMIM 615041.

Allele frequency attached by ClinVar (database versions not stated): gnomAD exomes 0.09945 and 0.11963; ExAC 0.13708; gnomAD 0.14310 and 0.14533; TOPMed 0.15746.
gnomAD v4.1: 151,584 of 1,452,590 alleles (10%); highest among the groups gnomAD compares: African/African-American, 23%; 9,356 homozygotes.

Submissions (7):

Genome-Nilou Lab
Classification: Benign for Muscular dystrophy-dystroglycanopathy (congenital with brain and eye anomalies), type a, 10. Last evaluated: 2021-09-10. Review status: criteria provided, single submitter. Criteria: ACMG Guidelines, 2015. Collection method: clinical testing. Allele origin: germline. Affected: no.

Mayo Clinic Laboratories, Mayo Clinic
Classification: Benign. Last evaluated: 2017-12-21. Review status: criteria provided, single submitter. Criteria: ACMG Guidelines, 2015. Collection method: clinical testing. Allele origin: germline. Observed: 16 variant alleles.

GeneDx
Classification: Benign. Last evaluated: 2016-07-08. Review status: criteria provided, single submitter. Criteria: GeneDx Variant Classification (06012015). Collection method: clinical testing. Allele origin: germline. Affected: yes.
Comment: This variant is considered likely benign or benign based on one or more of the following criteria: it is a conservative change, it occurs at a poorly conserved position in the protein, it is predicted to be benign by multiple in silico algorithms, and/or has population frequency not consistent with disease.

Eurofins Ntd Llc (ga)
Classification: Benign. Last evaluated: 2015-05-26. Review status: criteria provided, single submitter. Criteria: EGL Classification Definitions 2015. Collection method: clinical testing. Allele origin: germline. Observed: 3 variant alleles, 3 heterozygotes.

Breakthrough Genomics
Classification: Benign. Review status: criteria provided, single submitter. Criteria: ACMG Guidelines, 2015. Collection method: not provided. Allele origin: germline. Inheritance: Autosomal recessive inheritance. Affected: yes.

PreventionGenetics, part of Exact Sciences
Classification: Benign. Review status: criteria provided, single submitter. Criteria: ACMG Guidelines, 2015. Collection method: clinical testing. Allele origin: germline.

Dr. Peter K. Rogan Lab, Western University
No classification provided (evidence only). Condition: Uterine carcinosarcoma. Review status: no classification provided. Collection method: in vitro. Allele origin: not applicable. Functional consequence: retained intron. Not counted in ClinVar's aggregate classification.

NM_014254.3(RXYLT1):c.*18C>G

Genes: RXYLT1 (ribitol xylosyltransferase 1; plus strand), RXYLT1-AS1 (RXYLT1 antisense RNA 1; minus strand). Cytogenetic location: 12q14.2.
Variant type: single nucleotide variant.
Coding change: c.*18C>G on transcript NM_014254.3 (MANE Select); 18 bases downstream of the stop codon, C replaced by G.
Molecular consequence: 3 prime UTR variant.
Genome position (GRCh38, 1-based): chr12:63,809,110, C>G. VCF-style: chr12-63809110-C-G. GRCh37 (hg19) VCF-style: chr12-64202890-C-G.
Other names: NC_000012.11:g.64202890C>G; c.*18C>G (NM_001278237.2).
Identifiers: ClinVar variation 198206 (VCV000198206.12), dbSNP rs1876465, ClinGen allele CA203309.